The following is an entry in ClinVar:

ClinVar aggregate classification (germline): Uncertain significance (1 of 4 stars; one submission).

Conditions:
Mucopolysaccharidosis type 1. Also called: Mucopolysaccharidosis Type I; IDUA deficiency; MPS I. Identifiers: Orphanet 579, MedGen C0023786, MONDO:0001586.

Submission:

Labcorp Genetics (formerly Invitae), Labcorp
Classification: Uncertain significance for Mucopolysaccharidosis type 1. Last evaluated: 2024-02-06. Review status: criteria provided, single submitter. Criteria: Invitae Variant Classification Sherloc (09022015). Collection method: clinical testing. Allele origin: germline.
Comment: This sequence change replaces glutamine, which is neutral and polar, with arginine, which is basic and polar, at codon 428 of the IDUA protein (p.Gln428Arg). This variant is not present in population databases (gnomAD no frequency). This variant has not been reported in the literature in individuals affected with IDUA-related conditions. Advanced modeling of protein sequence and biophysical properties (such as structural, functional, and spatial information, amino acid conservation, physicochemical variation, residue mobility, and thermodynamic stability) performed at Invitae indicates that this missense variant is not expected to disrupt IDUA protein function with a negative predictive value of 95%. In summary, the available evidence is currently insufficient to determine the role of this variant in disease. Therefore, it has been classified as a Variant of Uncertain Significance.

NM_000203.5(IDUA):c.1283A>G (p.Gln428Arg)

Gene: IDUA (alpha-L-iduronidase; plus strand). Cytogenetic location: 4p16.3.
Variant type: single nucleotide variant.
Coding change: c.1283A>G on transcript NM_000203.5 (MANE Select); coding-DNA position 1283, A replaced by G.
Protein change: p.Gln428Arg; replaces glutamine 428 with arginine.
Molecular consequence: missense variant. On other transcripts: non-coding transcript variant (1).
Genome position (GRCh38, 1-based): chr4:1,002,825, A>G. VCF-style: chr4-1002825-A-G. GRCh37 (hg19) VCF-style: chr4-996613-A-G.
Other names: c.887A>G, p.Gln296Arg (NM_001363576.1); short protein forms Q296R, Q428R.
Identifiers: ClinVar variation 3719866 (VCV003719866.2).